The following is an entry in ClinVar:

NM_000368.5(TSC1):c.826T>C (p.Ser276Pro)

Gene: TSC1 (TSC complex subunit 1; minus strand). Cytogenetic location: 9q34.13.
Variant type: single nucleotide variant.
Coding change: c.826T>C on transcript NM_000368.5 (MANE Select); coding-DNA position 826, T replaced by C.
Protein change: p.Ser276Pro; replaces serine 276 with proline.
Molecular consequence: missense variant.
Genome position (GRCh38, 1-based): chr9:132,912,369, A>G on the plus strand (T>C on the coding strand, the complement: TSC1 is on the minus strand). VCF-style: chr9-132912369-A-G. GRCh37 (hg19) VCF-style: chr9-135787756-A-G.
Other names: c.826T>C, p.Ser276Pro (NM_001162426.2); c.673T>C, p.Ser225Pro (NM_001162427.2); c.463T>C, p.Ser155Pro (NM_001362177.2); short protein forms S276P, S155P, S225P.
Identifiers: ClinVar variation 567952 (VCV000567952.54), dbSNP rs774009225, ClinGen allele CA039128.

ClinVar aggregate classification (germline): Conflicting classifications of pathogenicity. Review status: criteria provided, conflicting classifications (1 of 4 stars). 4 submissions from 4 submitters: Uncertain significance (3); Likely benign (1). Last evaluated 2025-09-11.

Conditions:
Tuberous sclerosis 1 (TSC1). Identifiers: Orphanet 805, MedGen C1854465, MONDO:0008612, OMIM 191100.
Hereditary cancer-predisposing syndrome. Also called: Tumor predisposition; Hereditary Cancer Syndrome; Hereditary neoplastic syndrome; Neoplastic Syndromes, Hereditary. Identifiers: Orphanet 140162, MedGen C0027672, MeSH D009386, MONDO:0015356.

Allele frequency attached by ClinVar (database versions not stated): ExAC 0.00001; gnomAD exomes 0.00001.
gnomAD v4.1: 4 of 1,614,202 alleles (0.00025%); highest among the groups gnomAD compares: Admixed American, 0.0017%; no homozygotes.

Submissions (4):

Ambry Genetics
Classification: Uncertain significance for Hereditary cancer-predisposing syndrome. Last evaluated: 2025-09-11. Review status: criteria provided, single submitter. Criteria: Ambry Variant Classification Scheme 2023. Collection method: clinical testing. Allele origin: germline.
Comment: The p.S276P variant (also known as c.826T>C), located in coding exon 7 of the TSC1 gene, results from a T to C substitution at nucleotide position 826. The serine at codon 276 is replaced by proline, an amino acid with similar properties. This amino acid position is conserved. In addition, the in silico prediction for this alteration is inconclusive. Based on the available evidence, the clinical significance of this variant remains unclear.

Labcorp Genetics (formerly Invitae), Labcorp
Classification: Likely benign for Tuberous sclerosis 1. Last evaluated: 2024-10-10. Review status: criteria provided, single submitter. Criteria: Invitae Variant Classification Sherloc (09022015). Collection method: clinical testing. Allele origin: germline.

Genome-Nilou Lab
Classification: Uncertain significance for Tuberous sclerosis 1. Last evaluated: 2021-11-07. Review status: criteria provided, single submitter. Criteria: ACMG Guidelines, 2015. Collection method: clinical testing. Allele origin: germline. Affected: no.

CeGaT Center for Human Genetics Tuebingen
Classification: Uncertain significance. Last evaluated: 2019-02-01. Review status: criteria provided, single submitter. Criteria: CeGaT Center For Human Genetics Tuebingen Variant Classification Criteria Version 2. Collection method: clinical testing. Allele origin: germline. Affected: yes. Observed: 2 variant alleles.